The following is an entry in ClinVar:

ClinVar aggregate classification (germline): Conflicting classifications of pathogenicity. Review status: criteria provided, conflicting classifications (1 of 4 stars). 3 submissions from 3 submitters: Uncertain significance (1); Likely benign (2). Last evaluated 2025-02-24.

Conditions:
Hereditary cancer-predisposing syndrome. Also called: Hereditary neoplastic syndrome; Tumor predisposition; Hereditary Cancer Syndrome; Neoplastic Syndromes, Hereditary. Identifiers: Orphanet 140162, MedGen C0027672, MeSH D009386, MONDO:0015356.
Breast-ovarian cancer, familial, susceptibility to, 4. Identifiers: Orphanet 145, MedGen C3280345, MONDO:0013669, OMIM 614291.

Allele frequency attached by ClinVar (database versions not stated): gnomAD exomes below 0.00001.
gnomAD v4.1: 1 of 1,614,004 alleles (0.000062%); highest among the groups gnomAD compares: Non-Finnish European, 0.000085%; no homozygotes.

Submissions (3):

Myriad Genetics, Inc.
Classification: Likely benign for Breast-ovarian cancer, familial, susceptibility to, 4. Last evaluated: 2025-02-24. Review status: criteria provided, single submitter. Criteria: Myriad Autosomal Dominant, Autosomal Recessive and X-Linked Classification Criteria (2023). Collection method: clinical testing. Allele origin: unknown.
Comment: This variant is considered likely benign. This variant is intronic and is not expected to impact mRNA splicing.

Labcorp Genetics (formerly Invitae), Labcorp
Classification: Likely benign for Breast-ovarian cancer, familial, susceptibility to, 4. Last evaluated: 2021-08-06. Review status: criteria provided, single submitter. Criteria: Invitae Variant Classification Sherloc (09022015). Collection method: clinical testing. Allele origin: germline.

Color Diagnostics, LLC DBA Color Health
Classification: Uncertain significance for Hereditary cancer-predisposing syndrome. Last evaluated: 2019-04-03. Review status: criteria provided, single submitter. Criteria: ACMG Guidelines, 2015. Collection method: clinical testing. Allele origin: germline.

NM_002878.4(RAD51D):c.667+7G>A

Genes: RAD51L3-RFFL (RAD51L3-RFFL readthrough; minus strand), RAD51D (RAD51 paralog D; minus strand). Cytogenetic location: 17q12.
Variant type: single nucleotide variant.
Coding change: c.667+7G>A on transcript NM_002878.4 (MANE Select); 7 bases into the intron after coding-DNA position 667, G replaced by A.
Molecular consequence: intron variant.
Genome position (GRCh38, 1-based): chr17:35,103,447, C>T on the plus strand (G>A on the coding strand, the complement: RAD51D is on the minus strand). VCF-style: chr17-35103447-C-T. GRCh37 (hg19) VCF-style: chr17-33430466-C-T.
Other names: c.331+7G>A (NM_133629.3); c.727+7G>A (NM_001142571.2).
Identifiers: ClinVar variation 492437 (VCV000492437.15), dbSNP rs1483859285, ClinGen allele CA625782482.